The following is an entry in ClinVar:

ClinVar aggregate classification (germline): Uncertain significance (1 of 4 stars; one submission).

Conditions:
Hereditary breast ovarian cancer syndrome. Also called: Hereditary breast and ovarian cancer syndrome; Breast and ovarian cancer; Hereditary breast and/or ovarian cancer syndrome; Hereditary breast and ovarian cancer; BRCA1- and BRCA2-Associated Hereditary Breast and Ovarian Cancer; Hereditary breast and ovarian cancer syndrome (HBOC). Identifiers: Orphanet 145, MedGen C0677776, MeSH D061325, MONDO:0003582. Disease mechanism: loss of function.

Submission:

Labcorp Genetics (formerly Invitae), Labcorp
Classification: Uncertain significance for Hereditary breast ovarian cancer syndrome. Last evaluated: 2019-12-13. Review status: criteria provided, single submitter. Criteria: Invitae Variant Classification Sherloc (09022015). Collection method: clinical testing. Allele origin: germline.
Comment: In summary, the available evidence is currently insufficient to determine the role of this variant in disease. Therefore, it has been classified as a Variant of Uncertain Significance. Algorithms developed to predict the effect of missense changes on protein structure and function (SIFT, PolyPhen-2, Align-GVGD) all suggest that this variant is likely to be tolerated, but these predictions have not been confirmed by published functional studies and their clinical significance is uncertain. This variant has not been reported in the literature in individuals with BRCA1-related conditions. This variant is not present in population databases (ExAC no frequency). This sequence change replaces isoleucine with asparagine at codon 1858 of the BRCA1 protein (p.Ile1858Asn). The isoleucine residue is moderately conserved and there is a large physicochemical difference between isoleucine and asparagine.

NM_007294.4(BRCA1):c.5573T>A (p.Ile1858Asn)

Gene: BRCA1 (BRCA1 DNA repair associated; minus strand). Cytogenetic location: 17q21.31.
Variant type: single nucleotide variant.
Coding change: c.5573T>A on transcript NM_007294.4 (MANE Select); coding-DNA position 5573, T replaced by A.
Protein change: p.Ile1858Asn; replaces isoleucine 1858 with asparagine.
Molecular consequence: missense variant. On other transcripts: 3 prime UTR variant (1), non-coding transcript variant (1).
Genome position (GRCh38, 1-based): chr17:43,045,697, A>T on the plus strand (T>A on the coding strand, the complement: BRCA1 is on the minus strand). VCF-style: chr17-43045697-A-T. GRCh37 (hg19) VCF-style: chr17-41197714-A-T.
Other names: c.2261T>A, p.Ile754Asn (NM_001407991.1, NM_001407992.1, NM_001407993.1 and 11 more transcripts); c.2258T>A, p.Ile753Asn (NM_001408392.1, NM_001408396.1, NM_001408397.1 and 7 more transcripts); c.5237T>A, p.Ile1746Asn (NM_001407951.1, NM_001407952.1, NM_001407953.1 and 3 more transcripts); c.2966T>A, p.Ile989Asn (NM_001407969.1); c.2330T>A, p.Ile777Asn (NM_001407970.1, NM_001407971.1); c.2327T>A, p.Ile776Asn (NM_001407972.1); c.5189T>A, p.Ile1730Asn (NM_001407962.1, NM_001407960.1); c.5186T>A, p.Ile1729Asn (NM_001407963.1); and 74 more; short protein forms I1811N, I1858N, I1879N, I754N, I1562N, I1731N, I1769N, I1788N.
Identifiers: ClinVar variation 851795 (VCV000851795.14), dbSNP rs755427809, ClinGen allele CA10590180.